The following is an entry in ClinVar:

ClinVar aggregate classification (germline): Likely benign (1 of 4 stars; one submission).

Submission:

CeGaT Center for Human Genetics Tuebingen
Classification: Likely benign. Last evaluated: 2026-03-01. Review status: criteria provided, single submitter. Criteria: CeGaT Center For Human Genetics Tuebingen Variant Classification Criteria Version 2. Collection method: clinical testing. Allele origin: germline. Affected: yes. Observed: 1 variant allele.
Comment: WHRN: PM2:Supporting, BP4, BP7

NM_015404.4(WHRN):c.1533C>G (p.Pro511=)

Gene: WHRN (whirlin; minus strand). Cytogenetic location: 9q32.
Variant type: single nucleotide variant.
Coding change: c.1533C>G on transcript NM_015404.4 (MANE Select); coding-DNA position 1533, C replaced by G.
Protein change: p.Pro511=; no amino-acid change (proline 511 retained).
Molecular consequence: synonymous variant.
Genome position (GRCh38, 1-based): chr9:114,423,407, G>C on the plus strand (C>G on the coding strand, the complement: WHRN is on the minus strand). VCF-style: chr9-114423407-G-C. GRCh37 (hg19) VCF-style: chr9-117185687-G-C.
Other names: c.384C>G, p.Pro128= (NM_001083885.3); c.1533C>G, p.Pro511= (NM_001173425.2); c.480C>G, p.Pro160= (NM_001346890.1).
Identifiers: ClinVar variation 4821674 (VCV004821674.4).